The following is an entry in ClinVar:

ClinVar aggregate classification (germline): Pathogenic. Review status: criteria provided, multiple submitters, no conflicts (2 of 4 stars). 3 submissions from 3 submitters: Pathogenic (3). Last evaluated 2025-02-07.

Conditions:
TP63-related disorder. Also called: TP63-Related Disorders; TP63-related condition. Identifiers: MedGen CN380159.
TP63-Related Spectrum Disorders.

Submissions (3):

GeneDx
Classification: Pathogenic. Last evaluated: 2025-02-07. Review status: criteria provided, single submitter. Criteria: GeneDx Variant Classification Process June 2021. Collection method: clinical testing. Allele origin: germline. Affected: yes.
Comment: In silico analysis indicates that this missense variant does not alter protein structure/function; Not observed at significant frequency in large population cohorts (gnomAD); Also known as p.(I537T); This variant is associated with the following publications: (PMID: 11159940, 20156774, 23589895, 19353588, 29339502, 31585491, 32021595, 31949132, 37432020, 30809829, 21615690, 29481901, 21652629, 34583755)

PreventionGenetics, part of Exact Sciences
Classification: Pathogenic for TP63-related condition. Last evaluated: 2023-01-25. Review status: criteria provided, single submitter. Criteria: ACMG Guidelines, 2015. Collection method: clinical testing. Allele origin: germline.
Comment: The TP63 c.1727T>C variant is predicted to result in the amino acid substitution p.Ile576Thr. This variant was reported in multiple individuals with Hay-Wells syndrome McGrath et al. 2001. PubMed ID: 11159940, reported as I541T; Tomková et al. 2010. PubMed ID: 20156774, reported as I537T; Serra et al. 2021. PubMed ID: 34583755). In vitro functional analysis indicates that this amino acid change impairs activity (Browne et al. 2011. PubMed ID: 21652629, reported as I537T). This variant has not been reported in a large population database, indicating this variant is rare. This variant is interpreted as pathogenic.

Labcorp Genetics (formerly Invitae), Labcorp
Classification: Pathogenic. Last evaluated: 2021-05-04. Review status: criteria provided, single submitter. Criteria: Invitae Variant Classification Sherloc (09022015). Collection method: clinical testing. Allele origin: germline.
Comment: This sequence change replaces isoleucine with threonine at codon 576 of the TP63 protein (p.Ile576Thr). The isoleucine residue is highly conserved and there is a moderate physicochemical difference between isoleucine and threonine. This variant is not present in population databases (ExAC no frequency). This variant has been observed in individual(s) with ankyloblepharon-ectodermal dysplasia-clefting (AEC) syndrome (PMID: 11159940, 20156774, 30809829, Invitae). It has also been observed to segregate with disease in related individuals. This variant is also known as Ile541Thr, Ile537Thr, or Ile482Thr. ClinVar contains an entry for this variant (Variation ID: 372540). Experimental studies have shown that this variant affects TP63 protein function (PMID: 21652629, 21615690). For these reasons, this variant has been classified as Pathogenic.

Literature cited by the submitters: PubMed 11159940 (cited by Labcorp Genetics (formerly Invitae), Labcorp); PubMed 20156774 (cited by Labcorp Genetics (formerly Invitae), Labcorp); PubMed 30809829 (cited by Labcorp Genetics (formerly Invitae), Labcorp); PubMed 21652629 (cited by Labcorp Genetics (formerly Invitae), Labcorp); PubMed 21615690 (cited by Labcorp Genetics (formerly Invitae), Labcorp).

NM_003722.5(TP63):c.1727T>C (p.Ile576Thr)

Gene: TP63 (tumor protein p63; plus strand). Cytogenetic location: 3q28.
Variant type: single nucleotide variant.
Coding change: c.1727T>C on transcript NM_003722.5 (MANE Select); coding-DNA position 1727, T replaced by C.
Protein change: p.Ile576Thr; replaces isoleucine 576 with threonine.
Molecular consequence: missense variant. On other transcripts: intron variant (6).
Genome position (GRCh38, 1-based): chr3:189,890,863, T>C. VCF-style: chr3-189890863-T-C. GRCh37 (hg19) VCF-style: chr3-189608652-T-C.
Other names: c.1445T>C, p.Ile482Thr (NM_001114980.2); c.1190T>C, p.Ile397Thr (NM_001329146.2); c.1715T>C, p.Ile572Thr (NM_001329148.2); c.1721T>C, p.Ile574Thr (NM_001329964.2); c.1652+1379T>C (NM_001114978.2); c.1508-3343T>C (NM_001329144.2); c.1370+1379T>C (NM_001114981.2); c.1226-3343T>C (NM_001329145.2); and 2 more; short protein forms I576T, I397T, I572T, I482T, I574T.
Identifiers: ClinVar variation 372540 (VCV000372540.6), dbSNP rs1057517841, ClinGen allele CA16042490.